The following is an entry in ClinVar:

NM_032578.4(MYPN):c.2497G>A (p.Val833Ile)

Gene: MYPN (myopalladin; plus strand). Cytogenetic location: 10q21.3.
Variant type: single nucleotide variant.
Coding change: c.2497G>A on transcript NM_032578.4 (MANE Select); coding-DNA position 2497, G replaced by A.
Protein change: p.Val833Ile; replaces valine 833 with isoleucine.
Molecular consequence: missense variant. On other transcripts: non-coding transcript variant (2).
Genome position (GRCh38, 1-based): chr10:68,174,589, G>A. VCF-style: chr10-68174589-G-A. GRCh37 (hg19) VCF-style: chr10-69934346-G-A.
Other names: c.2497G>A, p.Val833Ile (NM_001256267.2); c.1615G>A, p.Val539Ile (NM_001256268.2); short protein forms V539I, V833I.
Identifiers: ClinVar variation 1215691 (VCV001215691.6), dbSNP rs1406084738, ClinGen allele CA376847933.
Genomic context (GRCh38, chr10:68,174,589, plus strand): 5'-TCCCCAATTCCTGTCTCTCCTACCAGCCGGATTCAGAACCCAGTGGCTTTCCTCAGCTCT[G>A]TTCTGCCTTCTCTCCCTGCCATCCCACCCACAAATGCCATGGGGCTGCCTAGAAGTGCAC-3'
Protein context (NP_115967.2, residues 823-843): IQNPVAFLSS[Val833Ile]LPSLPAIPPT

ClinVar aggregate classification (germline): Uncertain significance. Review status: criteria provided, multiple submitters, no conflicts (2 of 4 stars). 3 submissions from 3 submitters: Uncertain significance (3). Last evaluated 2025-10-13.

Conditions:
Cardiovascular phenotype. Identifiers: MedGen CN230736.

Allele frequency attached by ClinVar (database versions not stated): gnomAD 0.00001; TOPMed 0.00001; gnomAD exomes 0.00002.
gnomAD v4.1: 31 of 1,614,006 alleles (0.0019%); highest among the groups gnomAD compares: Non-Finnish European, 0.0025%; no homozygotes.

Submissions (3):

Women's Health and Genetics/Laboratory Corporation of America, LabCorp
Classification: Uncertain significance. Last evaluated: 2025-10-13. Review status: criteria provided, single submitter. Criteria: LabCorp Variant Classification Summary - May 2015. Collection method: clinical testing. Allele origin: germline.

Ambry Genetics
Classification: Uncertain significance for Cardiovascular phenotype. Last evaluated: 2023-12-26. Review status: criteria provided, single submitter. Criteria: Ambry Variant Classification Scheme 2023. Collection method: clinical testing. Allele origin: germline.
Comment: The p.V833I variant (also known as c.2497G>A), located in coding exon 10 of the MYPN gene, results from a G to A substitution at nucleotide position 2497. The valine at codon 833 is replaced by isoleucine, an amino acid with highly similar properties. This amino acid position is conserved. In addition, the in silico prediction for this alteration is inconclusive. Since supporting evidence is limited at this time, the clinical significance of this alteration remains unclear.

GeneDx
Classification: Uncertain significance. Last evaluated: 2020-09-01. Review status: criteria provided, single submitter. Criteria: GeneDx Variant Classification Process June 2021. Collection method: clinical testing. Allele origin: germline. Affected: yes.
Comment: Has not been previously published as pathogenic or benign to our knowledge; In silico analysis supports that this missense variant does not alter protein structure/function